The following is an entry in ClinVar:

ClinVar aggregate classification (germline): Uncertain significance (1 of 4 stars; one submission).

Conditions:
Renal cell carcinoma. Identifiers: Orphanet 217071, MedGen C0007134, MeSH D002292, MONDO:0005086, HP:0005584.

Submission:

Labcorp Genetics (formerly Invitae), Labcorp
Classification: Uncertain significance for Renal cell carcinoma. Last evaluated: 2025-01-01. Review status: criteria provided, single submitter. Criteria: Invitae Variant Classification Sherloc (09022015). Collection method: clinical testing. Allele origin: germline.
Comment: This sequence change replaces leucine, which is neutral and non-polar, with glutamine, which is neutral and polar, at codon 337 of the MET protein (p.Leu337Gln). This variant is not present in population databases (gnomAD no frequency). This variant has not been reported in the literature in individuals affected with MET-related conditions. ClinVar contains an entry for this variant (Variation ID: 1392875). Invitae Evidence Modeling of protein sequence and biophysical properties (such as structural, functional, and spatial information, amino acid conservation, physicochemical variation, residue mobility, and thermodynamic stability) indicates that this missense variant is not expected to disrupt MET protein function with a negative predictive value of 80%. In summary, the available evidence is currently insufficient to determine the role of this variant in disease. Therefore, it has been classified as a Variant of Uncertain Significance.

NM_000245.4(MET):c.1010T>A (p.Leu337Gln)

Gene: MET (MET proto-oncogene, receptor tyrosine kinase; plus strand). Cytogenetic location: 7q31.2.
Variant type: single nucleotide variant.
Coding change: c.1010T>A on transcript NM_000245.4 (MANE Select); coding-DNA position 1010, T replaced by A.
Protein change: p.Leu337Gln; replaces leucine 337 with glutamine.
Molecular consequence: missense variant. On other transcripts: intron variant (1).
Genome position (GRCh38, 1-based): chr7:116,700,094, T>A. VCF-style: chr7-116700094-T-A. GRCh37 (hg19) VCF-style: chr7-116340148-T-A.
Other names: c.1010T>A, p.Leu337Gln (NM_001127500.3, NM_001324401.3); c.-91+27517T>A (NM_001324402.2); short protein forms L337Q.
Identifiers: ClinVar variation 1392875 (VCV001392875.8), dbSNP rs2116603244, ClinGen allele CA368970343.